The following is an entry in ClinVar:

NM_005051.3(QARS1):c.1650A>G (p.Pro550=)

Gene: QARS1 (glutaminyl-tRNA synthetase 1; minus strand). Cytogenetic location: 3p21.31.
Variant type: single nucleotide variant.
Coding change: c.1650A>G on transcript NM_005051.3 (MANE Select); coding-DNA position 1650, A replaced by G.
Protein change: p.Pro550=; no amino-acid change (proline 550 retained).
Molecular consequence: synonymous variant. On other transcripts: non-coding transcript variant (1).
Genome position (GRCh38, 1-based): chr3:49,099,218, T>C on the plus strand (A>G on the coding strand, the complement: QARS1 is on the minus strand). VCF-style: chr3-49099218-T-C. GRCh37 (hg19) VCF-style: chr3-49136651-T-C.
Other names: c.1617A>G, p.Pro539= (NM_001272073.2).
Identifiers: ClinVar variation 386554 (VCV000386554.9), dbSNP rs762120492, ClinGen allele CA2391681.
Genomic context (GRCh38, chr3:49,099,218, plus strand): 5'-AGCCATGGCTCGTGGGGCTGTGTCATTCAGCACATCACGCACACAGGCTTCTAGAAGATG[T>C]GGCTCCATTGTGGTTTGTGCCACAGTCACTCCCACCTGGCAGGAAAGTTCAGCATCAGTC-3'
Protein context (NP_005042.1, residues 540-560): GVTVAQTTME[Pro550=]HLLEACVRDV

ClinVar aggregate classification (germline): Likely benign. Review status: criteria provided, multiple submitters, no conflicts (2 of 4 stars). 2 submissions from 2 submitters: Likely benign (2). Last evaluated 2022-08-15.

Conditions:
Diffuse cerebral and cerebellar atrophy - intractable seizures - progressive microcephaly syndrome. Also called: Microcephaly, progressive, with seizures and cerebral and cerebellar atrophy. Identifiers: Orphanet 404437, MedGen C4014239, MONDO:0014335, OMIM 615760.

Allele frequency attached by ClinVar (database versions not stated): ExAC 0.00001; gnomAD exomes 0.00001 and 0.00002.
gnomAD v4.1: 26 of 1,614,198 alleles (0.0016%); highest among the groups gnomAD compares: Non-Finnish European, 0.002%; no homozygotes.

Submissions (2):

Labcorp Genetics (formerly Invitae), Labcorp
Classification: Likely benign for Diffuse cerebral and cerebellar atrophy - intractable seizures - progressive microcephaly syndrome. Last evaluated: 2022-08-15. Review status: criteria provided, single submitter. Criteria: Invitae Variant Classification Sherloc (09022015). Collection method: clinical testing. Allele origin: germline.

GeneDx
Classification: Likely benign. Last evaluated: 2016-06-02. Review status: criteria provided, single submitter. Criteria: GeneDx Variant Classification (06012015). Collection method: clinical testing. Allele origin: germline. Affected: yes.
Comment: This variant is considered likely benign or benign based on one or more of the following criteria: it is a conservative change, it occurs at a poorly conserved position in the protein, it is predicted to be benign by multiple in silico algorithms, and/or has population frequency not consistent with disease.